The following is an entry in ClinVar:

NM_003403.5(YY1):c.385del (p.Asp129fs)

Gene: YY1 (YY1 transcription factor; plus strand). Cytogenetic location: 14q32.2.
Variant type: Deletion.
Coding change: c.385del on transcript NM_003403.5 (MANE Select); coding-DNA position 385, one base deleted (G; older notation c.385delG).
Protein change: p.Asp129fs; shifts the reading frame from aspartic acid 129.
Molecular consequence: frameshift variant.
Genome position (GRCh38, 1-based): chr14:100,239,629, G deleted; the last of 2 consecutive G bases (chr14:100,239,628-100,239,629); deleting either gives the same sequence. VCF-style (leftmost placement, unchanged base first): chr14-100239627-AG-A. GRCh37 (hg19) VCF-style: chr14-100705964-AG-A.
Other names: short protein forms D129fs.
Identifiers: ClinVar variation 817604 (VCV000817604.1), dbSNP rs1595309671, ClinGen allele CA915946459.

ClinVar aggregate classification (germline): Pathogenic (1 of 4 stars; one submission).

Submission:

GeneDx
Classification: Pathogenic. Last evaluated: 2019-02-14. Review status: criteria provided, single submitter. Criteria: GeneDx Variant Classification (06012015). Collection method: clinical testing. Allele origin: germline. Affected: yes.
Comment: The c.385delG variant in the YY1 gene has been reported previously as a de novo variant in an individual with intellectual disability and progressive dystonia (Gabriele et al. 2017). The c.385delG variant causes a frameshift starting with codon Aspartic acid 129, changes this amino acid to an Isoleucine residue, and creates a premature Stop codon at position 127 of the new reading frame, denoted p.Asp129IlefsX127. This variant is predicted to cause loss of normal protein function either through protein truncation or nonsense-mediated mRNA decay. The c.385delG variant is not observed in large population cohorts (Lek et al., 2016). We interpret c.385delG as a pathogenic variant.